The following is an entry in ClinVar:

ClinVar aggregate classification (germline): Benign/Likely benign. Review status: criteria provided, multiple submitters, no conflicts (2 of 4 stars). 5 submissions from 5 submitters: Benign (3); Likely benign (2). Last evaluated 2026-07-01.

Allele frequency attached by ClinVar (database versions not stated): 1000 Genomes Project 0.00399; gnomAD 0.00411 and 0.00413; 1000 Genomes Project 30x 0.00422; ESP Exome Variant Server 0.00447; TOPMed 0.00488; gnomAD exomes 0.00515; ExAC 0.00526.
gnomAD v4.1: 8,885 of 1,609,600 alleles (0.55%); highest among the groups gnomAD compares: Middle Eastern, 0.71%; 46 homozygotes.

Submissions (18):

CeGaT Center for Human Genetics Tuebingen
Classification: Likely benign. Last evaluated: 2026-07-01. Review status: criteria provided, single submitter. Criteria: CeGaT Center For Human Genetics Tuebingen Variant Classification Criteria Version 2. Collection method: clinical testing. Allele origin: germline. Affected: yes. Observed: 11 variant alleles.
Comment: LAMA5: BP4, BS2

Labcorp Genetics (formerly Invitae), Labcorp
Classification: Benign. Last evaluated: 2026-01-24. Review status: criteria provided, single submitter. Criteria: Invitae Variant Classification Sherloc (09022015). Collection method: clinical testing. Allele origin: germline.

Genomic Medicine Center of Excellence, King Faisal Specialist Hospital and Research Centre
Classification: Likely benign. Last evaluated: 2025-08-18. Review status: criteria provided, single submitter. Criteria: ACMG Guidelines, 2015. Collection method: clinical testing. Allele origin: germline.

Mayo Clinic Laboratories, Mayo Clinic
Classification: Benign. Last evaluated: 2024-03-15. Review status: criteria provided, single submitter. Criteria: ACMG Guidelines, 2015. Collection method: clinical testing. Allele origin: germline. Observed: 4 variant alleles.
Comment: BS1, BS2, BP4, BP7

Breakthrough Genomics
Classification: Benign. Review status: criteria provided, single submitter. Criteria: ACMG Guidelines, 2015. Collection method: not provided. Allele origin: germline. Inheritance: Autosomal recessive inheritance. Affected: yes.

Dr. Peter K. Rogan Lab, Western University
No classification provided (evidence only). Condition: Lung cancer. Review status: no classification provided. Collection method: in vitro. Allele origin: not applicable. Functional consequence: retained intron. Not counted in ClinVar's aggregate classification.

Dr. Peter K. Rogan Lab, Western University
No classification provided (evidence only). Condition: Lung cancer. Review status: no classification provided. Collection method: in vitro. Allele origin: not applicable. Functional consequence: retained intron. Not counted in ClinVar's aggregate classification.

Dr. Peter K. Rogan Lab, Western University
No classification provided (evidence only). Condition: Sarcoma. Review status: no classification provided. Collection method: in vitro. Allele origin: not applicable. Functional consequence: retained intron. Not counted in ClinVar's aggregate classification.

Dr. Peter K. Rogan Lab, Western University
No classification provided (evidence only). Condition: Sarcoma. Review status: no classification provided. Collection method: in vitro. Allele origin: not applicable. Functional consequence: retained intron. Not counted in ClinVar's aggregate classification.

Dr. Peter K. Rogan Lab, Western University
No classification provided (evidence only). Condition: Sarcoma. Review status: no classification provided. Collection method: in vitro. Allele origin: not applicable. Functional consequence: retained intron. Not counted in ClinVar's aggregate classification.

Dr. Peter K. Rogan Lab, Western University
No classification provided (evidence only). Condition: Ovarian serous cystadenocarcinoma. Review status: no classification provided. Collection method: in vitro. Allele origin: not applicable. Functional consequence: retained intron. Not counted in ClinVar's aggregate classification.

Dr. Peter K. Rogan Lab, Western University
No classification provided (evidence only). Condition: Ovarian serous cystadenocarcinoma. Review status: no classification provided. Collection method: in vitro. Allele origin: not applicable. Functional consequence: retained intron. Not counted in ClinVar's aggregate classification.

Dr. Peter K. Rogan Lab, Western University
No classification provided (evidence only). Condition: Gastric cancer. Review status: no classification provided. Collection method: in vitro. Allele origin: not applicable. Functional consequence: retained intron. Not counted in ClinVar's aggregate classification.

Dr. Peter K. Rogan Lab, Western University
No classification provided (evidence only). Condition: Gastric cancer. Review status: no classification provided. Collection method: in vitro. Allele origin: not applicable. Functional consequence: retained intron. Not counted in ClinVar's aggregate classification.

Dr. Peter K. Rogan Lab, Western University
No classification provided (evidence only). Condition: Gastric cancer. Review status: no classification provided. Collection method: in vitro. Allele origin: not applicable. Functional consequence: retained intron. Not counted in ClinVar's aggregate classification.

Dr. Peter K. Rogan Lab, Western University
No classification provided (evidence only). Condition: Gastric cancer. Review status: no classification provided. Collection method: in vitro. Allele origin: not applicable. Functional consequence: retained intron. Not counted in ClinVar's aggregate classification.

Dr. Peter K. Rogan Lab, Western University
No classification provided (evidence only). Condition: Malignant tumor of esophagus. Review status: no classification provided. Collection method: in vitro. Allele origin: not applicable. Functional consequence: retained intron. Not counted in ClinVar's aggregate classification.

Dr. Peter K. Rogan Lab, Western University
No classification provided (evidence only). Condition: Malignant tumor of esophagus. Review status: no classification provided. Collection method: in vitro. Allele origin: not applicable. Functional consequence: retained intron. Not counted in ClinVar's aggregate classification.

NM_005560.6(LAMA5):c.3283-8C>G

Gene: LAMA5 (laminin subunit alpha 5; minus strand). Cytogenetic location: 20q13.33.
Variant type: single nucleotide variant.
Coding change: c.3283-8C>G on transcript NM_005560.6 (MANE Select); 8 bases into the intron before coding-DNA position 3283, C replaced by G.
Molecular consequence: intron variant.
Genome position (GRCh38, 1-based): chr20:62,332,725, G>C on the plus strand (C>G on the coding strand, the complement: LAMA5 is on the minus strand). VCF-style: chr20-62332725-G-C. GRCh37 (hg19) VCF-style: chr20-60907781-G-C.
Other names: p.?.
Identifiers: ClinVar variation 711759 (VCV000711759.37), dbSNP rs148811850, ClinGen allele CA9943062.